The following is an entry in ClinVar:

ClinVar aggregate classification (germline): Uncertain significance (1 of 4 stars; one submission).

Submission:

Labcorp Genetics (formerly Invitae), Labcorp
Classification: Uncertain significance. Last evaluated: 2023-04-12. Review status: criteria provided, single submitter. Criteria: Invitae Variant Classification Sherloc (09022015). Collection method: clinical testing. Allele origin: germline.
Comment: This variant, c.725_736dup, results in the insertion of 4 amino acid(s) of the NYX protein (p.Leu242_Leu245dup), but otherwise preserves the integrity of the reading frame. This variant is not present in population databases (gnomAD no frequency). This variant has been observed in individual(s) with clinical features of congenital stationary night blindness (Invitae). It has also been observed to segregate with disease in related individuals. ClinVar contains an entry for this variant (Variation ID: 1377744). Experimental studies and prediction algorithms are not available or were not evaluated, and the functional significance of this variant is currently unknown. In summary, the available evidence is currently insufficient to determine the role of this variant in disease. Therefore, it has been classified as a Variant of Uncertain Significance.

NM_001378477.3(NYX):c.710_721dup (p.Leu237_Leu240dup)

Gene: NYX (nyctalopin; plus strand). Cytogenetic location: Xp11.4.
Variant type: Duplication.
Coding change: c.710_721dup on transcript NM_001378477.3 (MANE Select); coding-DNA positions 710 to 721, 12 bases duplicated (TGGCCGAGCTCC).
Protein change: p.Leu237_Leu240dup.
Molecular consequence: inframe insertion.
Genome position (GRCh38, 1-based): chrX:41,474,178-41,474,189, TGGCCGAGCTCC duplicated; duplicating any 12 consecutive bases within chrX:41,474,177-41,474,189 gives the same sequence; the c. name uses the placement nearest the transcript's 3' end. VCF-style (leftmost placement, unchanged base first): chrX-41474176-G-GCTGGCCGAGCTC. GRCh37 (hg19) VCF-style: chrX-41333429-G-GCTGGCCGAGCTC.
Other names: c.710_721dup, p.Leu237_Leu240dup (NM_022567.3).
Identifiers: ClinVar variation 1377744 (VCV001377744.6), dbSNP rs2147025950, ClinGen allele CA2573158852.